The following is an entry in ClinVar:

NM_177438.3(DICER1):c.747G>A (p.Gln249=)

Gene: DICER1 (dicer 1, ribonuclease III; minus strand). Cytogenetic location: 14q32.13.
Variant type: single nucleotide variant.
Coding change: c.747G>A on transcript NM_177438.3 (MANE Select); coding-DNA position 747, G replaced by A.
Protein change: p.Gln249=; no amino-acid change (glutamine 249 retained).
Molecular consequence: synonymous variant.
Genome position (GRCh38, 1-based): chr14:95,126,736, C>T on the plus strand (G>A on the coding strand, the complement: DICER1 is on the minus strand). VCF-style: chr14-95126736-C-T. GRCh37 (hg19) VCF-style: chr14-95593073-C-T.
Other names: c.747G>A, p.Gln249= (NM_001195573.1, NM_001271282.3, NM_001291628.2 and 1 more transcripts).
Identifiers: ClinVar variation 242149 (VCV000242149.43), dbSNP rs376070315, ClinGen allele CA7331570.

ClinVar aggregate classification (germline): Benign/Likely benign. Review status: criteria provided, multiple submitters, no conflicts (2 of 4 stars). 7 submissions from 7 submitters: Benign (1); Likely benign (6). Last evaluated 2026-06-01.

Conditions:
DICER1-related tumor predisposition. Also called: DICER1 syndrome; DICER1-related pleuropulmonary blastoma cancer predisposition syndrome. Identifiers: Orphanet 284343, MedGen C3839822, MONDO:0100216.
Hereditary cancer-predisposing syndrome. Also called: Tumor predisposition; Hereditary Cancer Syndrome; Neoplastic Syndromes, Hereditary; Hereditary neoplastic syndrome. Identifiers: Orphanet 140162, MedGen C0027672, MeSH D009386, MONDO:0015356.

Allele frequency attached by ClinVar (database versions not stated): ExAC 0.00002; gnomAD 0.00002 and 0.00003; gnomAD exomes 0.00002 and 0.00003; TOPMed 0.00004; ESP Exome Variant Server 0.00008.
gnomAD v4.1: 36 of 1,606,302 alleles (0.0022%); highest among the groups gnomAD compares: Non-Finnish European, 0.003%; no homozygotes.

Submissions (7):

CeGaT Center for Human Genetics Tuebingen
Classification: Likely benign. Last evaluated: 2026-06-01. Review status: criteria provided, single submitter. Criteria: CeGaT Center For Human Genetics Tuebingen Variant Classification Criteria Version 2. Collection method: clinical testing. Allele origin: germline. Affected: yes. Observed: 3 variant alleles.
Comment: DICER1: BP4, BP7

Myriad Genetics, Inc.
Classification: Benign for DICER1-related tumor predisposition. Last evaluated: 2026-04-15. Review status: criteria provided, single submitter. Criteria: Myriad Autosomal Dominant, Autosomal Recessive and X-Linked Classification Criteria (2023). Collection method: clinical testing. Allele origin: unknown.
Comment: This variant is considered benign. This variant is a silent/synonymous amino acid change and it is not expected to impact splicing.

Labcorp Genetics (formerly Invitae), Labcorp
Classification: Likely benign for DICER1-related tumor predisposition. Last evaluated: 2025-12-31. Review status: criteria provided, single submitter. Criteria: Invitae Variant Classification Sherloc (09022015). Collection method: clinical testing. Allele origin: germline.

Center for Genomic Medicine, Rigshospitalet, Copenhagen University Hospital
Classification: Likely benign. Last evaluated: 2025-12-29. Review status: criteria provided, single submitter. Criteria: ACMG Guidelines, 2015. Collection method: clinical testing. Allele origin: germline.
Comment: Classification criteria: BP4, BP7

Quest Diagnostics Nichols Institute San Juan Capistrano
Classification: Likely benign. Last evaluated: 2025-08-07. Review status: criteria provided, single submitter. Criteria: Quest Diagnostics criteria. Collection method: clinical testing. Allele origin: unknown.

Sema4
Classification: Likely benign for Hereditary cancer-predisposing syndrome. Last evaluated: 2022-02-08. Review status: criteria provided, single submitter. Criteria: Sema4 Curation Guidelines. Collection method: curation. Allele origin: germline.

Ambry Genetics
Classification: Likely benign for Hereditary cancer-predisposing syndrome. Last evaluated: 2017-03-20. Review status: criteria provided, single submitter. Criteria: Ambry Variant Classification Scheme 2023. Collection method: clinical testing. Allele origin: germline.